The following is an entry in ClinVar:

ClinVar aggregate classification (germline): Benign/Likely benign. Review status: criteria provided, multiple submitters, no conflicts (2 of 4 stars). 12 submissions from 12 submitters: Benign (6); Likely benign (2). 4 of the submissions do not count toward it. Last evaluated 2026-02-02.

Conditions:
Niemann-Pick disease, type C1. Also called: NIEMANN-PICK DISEASE, VARIANT TYPE C1; NEUROVISCERAL STORAGE DISEASE WITH VERTICAL SUPRANUCLEAR OPHTHALMOPLEGIA; NIEMANN-PICK DISEASE WITH CHOLESTEROL ESTERIFICATION BLOCK; NIEMANN-PICK DISEASE WITHOUT SPHINGOMYELINASE DEFICIENCY; NIEMANN-PICK DISEASE, CHRONIC NEURONOPATHIC FORM. Identifiers: Orphanet 646, MedGen C3179455, MONDO:0009757, OMIM 257220.

Allele frequency attached by ClinVar (database versions not stated): gnomAD exomes 0.00054 and 0.00097; ExAC 0.00120; 1000 Genomes Project 30x 0.00250; 1000 Genomes Project 0.00260; gnomAD 0.00318 and 0.00354; TOPMed 0.00336; ESP Exome Variant Server 0.00484.
gnomAD v4.1: 1,298 of 1,614,180 alleles (0.08%); highest among the groups gnomAD compares: African/African-American, 1%; 5 homozygotes.

Submissions (12):

Labcorp Genetics (formerly Invitae), Labcorp
Classification: Benign for Niemann-Pick disease, type C1. Last evaluated: 2026-02-02. Review status: criteria provided, single submitter. Criteria: Invitae Variant Classification Sherloc (09022015). Collection method: clinical testing. Allele origin: germline.

Mayo Clinic Laboratories, Mayo Clinic
Classification: Likely benign. Last evaluated: 2025-10-02. Review status: criteria provided, single submitter. Criteria: ACMG Guidelines, 2015. Collection method: clinical testing. Allele origin: germline. Observed: 8 variant alleles.
Comment: BA1

CeGaT Center for Human Genetics Tuebingen
Classification: Likely benign. Last evaluated: 2025-07-01. Review status: criteria provided, single submitter. Criteria: CeGaT Center For Human Genetics Tuebingen Variant Classification Criteria Version 2. Collection method: clinical testing. Allele origin: germline. Affected: yes. Observed: 2 variant alleles.
Comment: NPC1: BS1

Women's Health and Genetics/Laboratory Corporation of America, LabCorp
Classification: Benign. Last evaluated: 2022-02-24. Review status: criteria provided, single submitter. Criteria: LabCorp Variant Classification Summary - May 2015. Collection method: clinical testing. Allele origin: germline.
Comment: Variant summary: NPC1 c.2731G>A (p.Gly911Ser) results in a non-conservative amino acid change in the encoded protein sequence. Three of five in-silico tools predict a damaging effect of the variant on protein function. The variant allele was found at a frequency of 0.00097 in 251484 control chromosomes, predominantly at a frequency of 0.011 within the African or African-American subpopulation in the gnomAD database, including 2 homozygotes. The observed variant frequency within African or African-American control individuals in the gnomAD database is approximately 4.0 fold of the estimated maximal expected allele frequency for a pathogenic variant in NPC1 causing Niemann-Pick Disease Type C phenotype (0.0027), strongly suggesting that the variant is a benign polymorphism found primarily in populations of African or African-American origin. To our knowledge, no occurrence of c.2731G>A in individuals affected with Niemann-Pick Disease Type C and no experimental evidence demonstrating its impact on protein function have been reported. Five clinical diagnostic laboratories have submitted clinical-significance assessments for this variant to ClinVar after 2014 without evidence for independent evaluation. All laboratories classified the variant as benign. Based on the evidence outlined above, the variant was classified as benign.

Dubai Health Genomic Medicine Center, Dubai Health
Classification: Benign for Niemann-Pick disease, type C1. Last evaluated: 2020-03-24. Review status: criteria provided, single submitter. Criteria: ACMG Guidelines, 2015. Collection method: clinical testing. Allele origin: germline. Affected: yes.

Illumina Laboratory Services, Illumina
Classification: Benign for Niemann-Pick disease type C1. Last evaluated: 2017-04-27. Review status: criteria provided, single submitter. Criteria: ICSL Variant Classification Criteria 13 December 2019. Collection method: clinical testing. Allele origin: germline.
Comment: This variant was observed as part of a predisposition screen in an ostensibly healthy population. A literature search was performed for the gene, cDNA change, and amino acid change (where applicable). No publications were found based on this search. Allele frequency data from public databases was too high to be consistent with this variant causing disease. Therefore, this variant is classified as benign.

Eurofins Ntd Llc (ga)
Classification: Benign. Last evaluated: 2015-07-23. Review status: criteria provided, single submitter. Criteria: EGL Classification Definitions 2015. Collection method: clinical testing. Allele origin: germline. Observed: 3 variant alleles, 3 heterozygotes.

Breakthrough Genomics
Classification: Benign. Review status: criteria provided, single submitter. Criteria: ACMG Guidelines, 2015. Collection method: not provided. Allele origin: germline. Inheritance: Autosomal recessive inheritance. Affected: yes.

Natera, Inc.
Classification: Benign for Niemann-Pick disease type C1. Last evaluated: 2020-05-04. Review status: no assertion criteria provided. Collection method: clinical testing. Allele origin: germline. Not counted in ClinVar's aggregate classification.

Clinical Genetics DNA and cytogenetics Diagnostics Lab, Erasmus MC, Erasmus Medical Center
Classification: Benign. Review status: no assertion criteria provided. Collection method: clinical testing. Allele origin: germline. Affected: yes. Study: VKGL Data-share Consensus. Not counted in ClinVar's aggregate classification.

Genome Diagnostics Laboratory, Amsterdam University Medical Center
Classification: Likely benign. Review status: no assertion criteria provided. Collection method: clinical testing. Allele origin: germline. Affected: yes. Study: VKGL Data-share Consensus. Not counted in ClinVar's aggregate classification.

Genome Diagnostics Laboratory, University Medical Center Utrecht
Classification: Likely benign. Review status: no assertion criteria provided. Collection method: clinical testing. Allele origin: germline. Affected: yes. Study: VKGL Data-share Consensus. Not counted in ClinVar's aggregate classification.

Literature cited by the submitters: PubMed 26338816 (cited by Mayo Clinic Laboratories, Mayo Clinic); PubMed 33727856 (cited by Mayo Clinic Laboratories, Mayo Clinic); PubMed 33990640 (cited by Mayo Clinic Laboratories, Mayo Clinic).

NM_000271.5(NPC1):c.2731G>A (p.Gly911Ser)

Gene: NPC1 (NPC intracellular cholesterol transporter 1; minus strand). Cytogenetic location: 18q11.2.
Variant type: single nucleotide variant.
Coding change: c.2731G>A on transcript NM_000271.5 (MANE Select); coding-DNA position 2731, G replaced by A.
Protein change: p.Gly911Ser; replaces glycine 911 with serine.
Molecular consequence: missense variant.
Genome position (GRCh38, 1-based): chr18:23,539,875, C>T on the plus strand (G>A on the coding strand, the complement: NPC1 is on the minus strand). VCF-style: chr18-23539875-C-T. GRCh37 (hg19) VCF-style: chr18-21119839-C-T.
Other names: p.Gly911Ser; short protein forms G911S.
Identifiers: ClinVar variation 181452 (VCV000181452.52), dbSNP rs34302553, ClinGen allele CA297005.
Genomic context (GRCh38, chr18:23,539,875, plus strand): 5'-TGTCCAGCTGCGCCGCGTTAAATATCTGCTGCACCAGGGAATCATTGTTGCAGCCCATGC[C>T]GCCGCACACCATGTTCTGCCCCTTGGAAGAAGTGTAGTCGTGCCCTTCCTCCAGGACAAA-3'
Protein context (NP_000262.2, residues 901-921): SSKGQNMVCG[Gly911Ser]MGCNNDSLVQ